The following is an entry in ClinVar:

NM_198503.5(KCNT2):c.3014C>G (p.Ser1005Trp)

Gene: KCNT2 (potassium sodium-activated channel subfamily T member 2; minus strand). Cytogenetic location: 1q31.3.
Variant type: single nucleotide variant.
Coding change: c.3014C>G on transcript NM_198503.5 (MANE Select); coding-DNA position 3014, C replaced by G.
Protein change: p.Ser1005Trp; replaces serine 1005 with tryptophan.
Molecular consequence: missense variant. On other transcripts: non-coding transcript variant (2).
Genome position (GRCh38, 1-based): chr1:196,258,391, G>C on the plus strand (C>G on the coding strand, the complement: KCNT2 is on the minus strand). VCF-style: chr1-196258391-G-C. GRCh37 (hg19) VCF-style: chr1-196227521-G-C.
Other names: c.2942C>G, p.Ser981Trp (NM_001287819.3); c.2813C>G, p.Ser938Trp (NM_001287820.3); short protein forms S1005W, S938W, S981W.
Identifiers: ClinVar variation 3359454 (VCV003359454.2).

ClinVar aggregate classification (germline): Uncertain significance (1 of 4 stars; one submission).

gnomAD v4.1: 2 of 1,613,988 alleles (0.00012%); highest among the groups gnomAD compares: African/African-American, 0.0013%; no homozygotes.

Submission:

GeneDx
Classification: Uncertain significance. Last evaluated: 2025-11-06. Review status: criteria provided, single submitter. Criteria: GeneDx Variant Classification Process June 2021. Collection method: clinical testing. Allele origin: germline.
Comment: Not observed at significant frequency in large population cohorts (gnomAD); In silico analysis supports that this missense variant has a deleterious effect on protein structure/function; Has not been previously published as pathogenic or benign to our knowledge